The following is an entry in ClinVar:

NM_016151.4(TAOK2):c.3377G>A (p.Arg1126His)

Gene: TAOK2 (TAO kinase 2; plus strand). Cytogenetic location: 16p11.2.
Variant type: single nucleotide variant.
Coding change: c.3377G>A on transcript NM_016151.4 (MANE Select); coding-DNA position 3377, G replaced by A.
Protein change: p.Arg1126His; replaces arginine 1126 with histidine.
Molecular consequence: missense variant. On other transcripts: intron variant (1).
Genome position (GRCh38, 1-based): chr16:29,987,649, G>A. VCF-style: chr16-29987649-G-A. GRCh37 (hg19) VCF-style: chr16-29998970-G-A.
Other names: c.3038G>A, p.Arg1013His (NM_001252043.2); c.2232+1145G>A (NM_004783.4); c.3377G>A (NM_016151.2); short protein forms R1126H, R1013H.
Identifiers: ClinVar variation 1423833 (VCV001423833.10), dbSNP rs189332502, ClinGen allele CA7998554.

ClinVar aggregate classification (germline): Uncertain significance. Review status: criteria provided, multiple submitters, no conflicts (2 of 4 stars). 2 submissions from 2 submitters: Uncertain significance (2). Last evaluated 2025-10-02.

Allele frequency attached by ClinVar (database versions not stated): 1000 Genomes Project 0.00020; TOPMed 0.00020; gnomAD 0.00023 and 0.00024; gnomAD exomes 0.00003 and 0.00005; ExAC 0.00006; ESP Exome Variant Server 0.00008; 1000 Genomes Project 30x 0.00016.
gnomAD v4.1: 84 of 1,613,502 alleles (0.0052%); highest among the groups gnomAD compares: East Asian, 0.069%; no homozygotes.

Submissions (2):

Ambry Genetics
Classification: Uncertain significance. Last evaluated: 2025-10-02. Review status: criteria provided, single submitter. Criteria: Ambry Variant Classification Scheme 2023. Collection method: clinical testing. Allele origin: germline.

Labcorp Genetics (formerly Invitae), Labcorp
Classification: Uncertain significance. Last evaluated: 2025-06-23. Review status: criteria provided, single submitter. Criteria: Invitae Variant Classification Sherloc (09022015). Collection method: clinical testing. Allele origin: germline.
Comment: This sequence change replaces arginine, which is basic and polar, with histidine, which is basic and polar, at codon 1126 of the TAOK2 protein (p.Arg1126His). This variant is present in population databases (rs189332502, gnomAD 0.05%), and has an allele count higher than expected for a pathogenic variant. This variant has not been reported in the literature in individuals affected with TAOK2-related conditions. ClinVar contains an entry for this variant (Variation ID: 1423833). An algorithm developed to predict the effect of missense changes on protein structure and function (PolyPhen-2) suggests that this variant is likely to be disruptive. In summary, the available evidence is currently insufficient to determine the role of this variant in disease. Therefore, it has been classified as a Variant of Uncertain Significance.